The following is an entry in ClinVar:

NM_000257.4(MYH7):c.5126C>T (p.Thr1709Ile)

Genes: MHRT (myosin heavy chain associated RNA transcript; plus strand), MYH7 (myosin heavy chain 7; minus strand), LOC126861897 (BRD4-independent group 4 enhancer GRCh37_chr14:23884455-23885654; plus strand). Cytogenetic location: 14q11.2.
Variant type: single nucleotide variant.
Coding change: c.5126C>T on transcript NM_000257.4 (MANE Select); coding-DNA position 5126, C replaced by T.
Protein change: p.Thr1709Ile; replaces threonine 1709 with isoleucine.
Molecular consequence: missense variant. On other transcripts: non-coding transcript variant (1).
Genome position (GRCh38, 1-based): chr14:23,415,660, G>A on the plus strand (C>T on the coding strand, the complement: MYH7 is on the minus strand). VCF-style: chr14-23415660-G-A. GRCh37 (hg19) VCF-style: chr14-23884869-G-A.
Other names: c.5126C>T, p.Thr1709Ile (NM_001407004.1); short protein forms T1709I.
Identifiers: ClinVar variation 3770003 (VCV003770003.2).

ClinVar aggregate classification (germline): Uncertain significance. Review status: criteria provided, multiple submitters, no conflicts (2 of 4 stars). 2 submissions from 2 submitters: Uncertain significance (2). Last evaluated 2025-12-27.

Conditions:
Hypertrophic cardiomyopathy. Also called: HYPERTROPHIC MYOCARDIOPATHY. Identifiers: Orphanet 217569, MedGen C0007194, MeSH D002312, MONDO:0005045, HP:0001639.

gnomAD v4.1: 1 of 1,613,976 alleles (0.000062%); highest among the groups gnomAD compares: Non-Finnish European, 0.000085%; no homozygotes.

Submissions (2):

Labcorp Genetics (formerly Invitae), Labcorp
Classification: Uncertain significance for Hypertrophic cardiomyopathy. Last evaluated: 2025-12-27. Review status: criteria provided, single submitter. Criteria: Invitae Variant Classification Sherloc (09022015). Collection method: clinical testing. Allele origin: germline.
Comment: This sequence change replaces threonine, which is neutral and polar, with isoleucine, which is neutral and non-polar, at codon 1709 of the MYH7 protein (p.Thr1709Ile). This variant is not present in population databases (gnomAD no frequency). This variant has not been reported in the literature in individuals affected with MYH7-related conditions. ClinVar contains an entry for this variant (Variation ID: 3770003). Invitae Evidence Modeling of protein sequence and biophysical properties (such as structural, functional, and spatial information, amino acid conservation, physicochemical variation, residue mobility, and thermodynamic stability) has been performed for this missense variant. However, the output from this modeling did not meet the statistical confidence thresholds required to predict the impact of this variant on MYH7 protein function. In summary, the available evidence is currently insufficient to determine the role of this variant in disease. Therefore, it has been classified as a Variant of Uncertain Significance.

GeneDx
Classification: Uncertain significance. Last evaluated: 2024-09-11. Review status: criteria provided, single submitter. Criteria: GeneDx Variant Classification Process June 2021. Collection method: clinical testing. Allele origin: germline. Affected: yes.
Comment: Has not been previously published as pathogenic or benign to our knowledge; Not observed at significant frequency in large population cohorts (gnomAD); In silico analysis indicates that this missense variant does not alter protein structure/function